The following is an entry in ClinVar:

NM_001368894.2(PAX6):c.1238del (p.Pro413fs)

Genes: ELP4 (elongator acetyltransferase complex subunit 4; plus strand), PAX6 (paired box 6; minus strand). Cytogenetic location: 11p13.
Variant type: Deletion.
Coding change: c.1238del on transcript NM_001368894.2 (MANE Select); coding-DNA position 1238, one base deleted (C; older notation c.1238delC).
Protein change: p.Pro413fs; shifts the reading frame from proline 413.
Molecular consequence: frameshift variant. On other transcripts: 3 prime UTR variant (3), non-coding transcript variant (2).
Genome position (GRCh38, 1-based): chr11:31,790,007, G deleted on the plus strand (C on the coding strand, the reverse complement: PAX6 is on the minus strand); the first of 4 consecutive G bases (chr11:31,790,007-31,790,010); deleting any one gives the same sequence. VCF-style (leftmost placement, unchanged base first): chr11-31790006-AG-A. GRCh37 (hg19) VCF-style: chr11-31811554-AG-A.
Other names: c.*6472del (NM_001288725.2); c.*6581del (NM_001288726.2); c.*6486del (NM_019040.5); c.1196del, p.Pro399fs (NM_000280.6, NM_001127612.3, NM_001258464.2 and 6 more transcripts); c.1238del, p.Pro413fs (NM_001258462.3, NM_001258463.2, NM_001310158.2 and 3 more transcripts); c.788del, p.Pro263fs (NM_001310160.2, NM_001310161.3, NM_001368899.2 and 10 more transcripts); c.1439del, p.Pro480fs (NM_001368910.2); c.1090del, p.Leu364fs (NM_001368911.2); and 9 more; short protein forms L349fs, L363fs, L364fs, P198fs, P263fs, P332fs, P399fs, L213fs.
Identifiers: ClinVar variation 4784256 (VCV004784256.1).
Genomic context (GRCh38, chr11:31,790,006, plus strand): 5'-TGGCCAGTATTGAGACATATCAGGTTCACTTCCGGGAACTTGAACTGGAACTGACACACC[AG>A]GGGAAATGAGTCCTAGAAGTGGATGAAAGAAATAGCCATGTAGATATTCCCTTTGAGAAA-3'

ClinVar aggregate classification (germline): Likely pathogenic (1 of 4 stars; one submission).

Conditions:
Aniridia 1 (AN1). Identifiers: Orphanet 250923, MedGen C0344542, MONDO:0024507, OMIM 106210.
Irido-corneo-trabecular dysgenesis (ASGD5). Also called: ANTERIOR SEGMENT DYSGENESIS 5. Identifiers: Orphanet 708, MedGen C0344559, MONDO:0011414, OMIM 604229, HP:0000659.

Submission:

Labcorp Genetics (formerly Invitae), Labcorp
Classification: Likely pathogenic for Aniridia 1; Irido-corneo-trabecular dysgenesis. Last evaluated: 2025-02-23. Review status: criteria provided, single submitter. Criteria: Invitae Variant Classification Sherloc (09022015). Collection method: clinical testing. Allele origin: germline.
Comment: This sequence change results in a frameshift in the PAX6 gene (p.Pro399Leufs*126). While this is not anticipated to result in nonsense mediated decay, it is expected to disrupt the last 24 amino acid(s) of the PAX6 protein and extend the protein by 101 additional amino acid residues. This variant is not present in population databases (gnomAD no frequency). This frameshift has been observed in individual(s) with clinical features of PAX6-related conditions (internal data). This variant results in an extension of the PAX6 protein. Other variant(s) that result in a similarly extended protein product (p.Gln406Profs*117, p.Pro419Glnfs*106) have been observed in individuals with PAX6-related disease (PMID: 26661695; internal data). This suggests that these extensions may be clinically significant. In summary, the currently available evidence indicates that the variant is pathogenic, but additional data are needed to prove that conclusively. Therefore, this variant has been classified as Likely Pathogenic.

Literature cited by the submitters: PubMed 26661695.